The following is an entry in ClinVar:

ClinVar aggregate classification (germline): Uncertain significance (1 of 4 stars; one submission).

gnomAD v4.1: 14 of 1,613,882 alleles (0.00087%); highest among the groups gnomAD compares: Non-Finnish European, 0.0011%; no homozygotes.

Submission:

Labcorp Genetics (formerly Invitae), Labcorp
Classification: Uncertain significance. Last evaluated: 2024-12-12. Review status: criteria provided, single submitter. Criteria: Invitae Variant Classification Sherloc (09022015). Collection method: clinical testing. Allele origin: germline.
Comment: This sequence change replaces aspartic acid, which is acidic and polar, with histidine, which is basic and polar, at codon 98 of the IKZF1 protein (p.Asp98His). This variant is not present in population databases (gnomAD no frequency). This variant has not been reported in the literature in individuals affected with IKZF1-related conditions. An algorithm developed to predict the effect of missense changes on protein structure and function (PolyPhen-2) suggests that this variant is likely to be tolerated. In summary, the available evidence is currently insufficient to determine the role of this variant in disease. Therefore, it has been classified as a Variant of Uncertain Significance.

NM_006060.6(IKZF1):c.292G>C (p.Asp98His)

Gene: IKZF1 (IKAROS family zinc finger 1; plus strand). Cytogenetic location: 7p12.2.
Variant type: single nucleotide variant.
Coding change: c.292G>C on transcript NM_006060.6 (MANE Select); coding-DNA position 292, G replaced by C.
Protein change: p.Asp98His; replaces aspartic acid 98 with histidine.
Molecular consequence: missense variant. On other transcripts: intron variant (9).
Genome position (GRCh38, 1-based): chr7:50,376,664, G>C. VCF-style: chr7-50376664-G-C. GRCh37 (hg19) VCF-style: chr7-50444362-G-C.
Other names: c.292G>C, p.Asp98His (NM_001220765.3, NM_001220768.2, NM_001220771.2 and 1 more transcripts); c.352G>C, p.Asp118His (NM_001410879.1); c.161-5876G>C (NM_001291839.2, NM_001291838.2, NM_001220767.2 and 1 more transcripts); c.161-10681G>C (NM_001291841.1, NM_001291842.1); c.161-15065G>C (NM_001291843.1, NM_001291844.1); c.161-23254G>C (NM_001291840.1); short protein forms D98H, D118H.
Identifiers: ClinVar variation 3669395 (VCV003669395.2).